The following is an entry in ClinVar:

ClinVar aggregate classification (germline): Uncertain significance. Review status: criteria provided, multiple submitters, no conflicts (2 of 4 stars). 2 submissions from 2 submitters: Uncertain significance (2). Last evaluated 2023-08-28.

Conditions:
Tumor predisposition syndrome 3 (TPDS3). Also called: Melanoma, cutaneous malignant, susceptibility to, 10; Glioma susceptibility 9; LONG TELOMERE SYNDROME, POT1-RELATED; POT1 Tumor Predisposition. Identifiers: Orphanet 618, MedGen C4014476, MONDO:0014368, OMIM 615848.
Hereditary cancer-predisposing syndrome. Also called: Hereditary Cancer Syndrome; Hereditary neoplastic syndrome; Neoplastic Syndromes, Hereditary; Tumor predisposition. Identifiers: Orphanet 140162, MedGen C0027672, MeSH D009386, MONDO:0015356.

Allele frequency attached by ClinVar (database versions not stated): ExAC 0.00001; gnomAD 0.00001.

Submissions (2):

Labcorp Genetics (formerly Invitae), Labcorp
Classification: Uncertain significance for Tumor predisposition syndrome 3. Last evaluated: 2023-08-28. Review status: criteria provided, single submitter. Criteria: Invitae Variant Classification Sherloc (09022015). Collection method: clinical testing. Allele origin: germline.
Comment: In summary, the available evidence is currently insufficient to determine the role of this variant in disease. Therefore, it has been classified as a Variant of Uncertain Significance. Advanced modeling of protein sequence and biophysical properties (such as structural, functional, and spatial information, amino acid conservation, physicochemical variation, residue mobility, and thermodynamic stability) performed at Invitae indicates that this missense variant is not expected to disrupt POT1 protein function. ClinVar contains an entry for this variant (Variation ID: 1757750). This variant has not been reported in the literature in individuals affected with POT1-related conditions. The frequency data for this variant in the population databases is considered unreliable, as metrics indicate poor data quality at this position in the gnomAD database. This sequence change replaces isoleucine, which is neutral and non-polar, with valine, which is neutral and non-polar, at codon 241 of the POT1 protein (p.Ile241Val).

Ambry Genetics
Classification: Uncertain significance for Hereditary cancer-predisposing syndrome. Last evaluated: 2023-01-03. Review status: criteria provided, single submitter. Criteria: Ambry Variant Classification Scheme 2023. Collection method: clinical testing. Allele origin: germline.
Comment: The p.I241V variant (also known as c.721A>G), located in coding exon 6 of the POT1 gene, results from an A to G substitution at nucleotide position 721. The isoleucine at codon 241 is replaced by valine, an amino acid with highly similar properties. This amino acid position is well conserved in available vertebrate species. In addition, this alteration is predicted to be tolerated by in silico analysis. Since supporting evidence is limited at this time, the clinical significance of this alteration remains unclear.

NM_015450.3(POT1):c.721A>G (p.Ile241Val)

Gene: POT1 (protection of telomeres 1; minus strand). Cytogenetic location: 7q31.33.
Variant type: single nucleotide variant.
Coding change: c.721A>G on transcript NM_015450.3 (MANE Select); coding-DNA position 721, A replaced by G.
Protein change: p.Ile241Val; replaces isoleucine 241 with valine.
Molecular consequence: missense variant. On other transcripts: non-coding transcript variant (3).
Genome position (GRCh38, 1-based): chr7:124,853,120, T>C on the plus strand (A>G on the coding strand, the complement: POT1 is on the minus strand). VCF-style: chr7-124853120-T-C. GRCh37 (hg19) VCF-style: chr7-124493174-T-C.
Other names: c.328A>G, p.Ile110Val (NM_001042594.2); short protein forms I110V, I241V.
Identifiers: ClinVar variation 1757750 (VCV001757750.6), dbSNP rs755906125, ClinGen allele CA4465362.